The following is an entry in ClinVar:

ClinVar aggregate classification (germline): Uncertain significance. Review status: criteria provided, multiple submitters, no conflicts (2 of 4 stars). 3 submissions from 3 submitters: Uncertain significance (3). Last evaluated 2025-03-09.

Conditions:
Marshall-Smith syndrome (MRSHSS). Identifiers: Orphanet 561, MedGen C0265211, MONDO:0011244, OMIM 602535.
Malan overgrowth syndrome (MALNS). Also called: Sotos syndrome 2; MALAN SYNDROME; NFIX-Related Malan Syndrome. Identifiers: Orphanet 420179, MedGen C3553660, MONDO:0013885, OMIM 614753.

Submissions (3):

Labcorp Genetics (formerly Invitae), Labcorp
Classification: Uncertain significance for Malan overgrowth syndrome; Marshall-Smith syndrome. Last evaluated: 2025-03-09. Review status: criteria provided, single submitter. Criteria: Invitae Variant Classification Sherloc (09022015). Collection method: clinical testing. Allele origin: germline.
Comment: This sequence change falls in intron 4 of the NFIX gene. It does not directly change the encoded amino acid sequence of the NFIX protein. It affects a nucleotide within the consensus splice site. This variant is present in population databases (rs763835168, gnomAD 0.006%). This variant has not been reported in the literature in individuals affected with NFIX-related conditions. ClinVar contains an entry for this variant (Variation ID: 2431352). Variants that disrupt the consensus splice site are a relatively common cause of aberrant splicing (PMID: 17576681, 9536098). Algorithms developed to predict the effect of sequence changes on RNA splicing suggest that this variant may disrupt the consensus splice site. In summary, the available evidence is currently insufficient to determine the role of this variant in disease. Therefore, it has been classified as a Variant of Uncertain Significance.

Laboratorio de Genetica e Diagnostico Molecular, Hospital Israelita Albert Einstein
Classification: Uncertain significance for Malan overgrowth syndrome. Last evaluated: 2022-07-29. Review status: criteria provided, single submitter. Criteria: ACMG Guidelines, 2015. Collection method: clinical testing. Allele origin: germline. Affected: yes.
Comment: ACMG classification criteria: PM2 moderated

Dr. med. U. Finckh, Human Genetics, Eurofins MVZ
Classification: Uncertain significance for Malan overgrowth syndrome; Marshall-Smith syndrome. Last evaluated: 2020-06-30. Review status: criteria provided, single submitter. Criteria: ACMG Guidelines, 2015. Collection method: clinical testing. Allele origin: unknown. Observed: 1 heterozygote.

Literature cited by the submitters: PubMed 17576681 (cited by Labcorp Genetics (formerly Invitae), Labcorp); PubMed 9536098 (cited by Labcorp Genetics (formerly Invitae), Labcorp).

NM_001365902.3(NFIX):c.697+3_697+6del

Gene: NFIX (nuclear factor I X; plus strand). Cytogenetic location: 19p13.13.
Variant type: Deletion.
Coding change: c.697+3_697+6del on transcript NM_001365902.3 (MANE Select); bases 3 to 6 of the intron after coding-DNA position 697, 4 bases deleted (AAGT; older notation c.697+3_697+6delAAGT).
Molecular consequence: splice donor variant.
Genome position (GRCh38, 1-based): chr19:13,073,499-13,073,502, AAGT deleted; deleting any 4 consecutive bases within chr19:13,073,496-13,073,502 gives the same sequence; the c. name uses the placement nearest the transcript's 3' end. VCF-style (leftmost placement, unchanged base first): chr19-13073495-GAGTA-G. GRCh37 (hg19) VCF-style: chr19-13184309-GAGTA-G.
Other names: c.697+3_697+6del (NM_002501.4, NM_001365982.2); c.673+3_673+6del (NM_001378404.1, NM_001271044.3); c.745+3_745+6del (NM_001378405.1); c.556+3_556+6del (NM_001365983.2); c.721+3_721+6del (NM_001271043.2); c.694+3_694+6del (NM_001365984.2, NM_001365985.2).
Identifiers: ClinVar variation 2431352 (VCV002431352.5), dbSNP rs763835168, ClinGen allele CA9237039.